The following is an entry in ClinVar:

NM_016204.4(GDF2):c.352A>T (p.Ile118Phe)

Gene: GDF2 (growth differentiation factor 2; plus strand). Cytogenetic location: 10q11.22.
Variant type: single nucleotide variant.
Coding change: c.352A>T on transcript NM_016204.4 (MANE Select); coding-DNA position 352, A replaced by T.
Protein change: p.Ile118Phe; replaces isoleucine 118 with phenylalanine.
Molecular consequence: missense variant.
Genome position (GRCh38, 1-based): chr10:47,324,846, A>T. VCF-style: chr10-47324846-A-T. GRCh37 (hg19) VCF-style: chr10-48414516-T-A.
Other names: p.Ile118Phe; c.352A>T (NM_016204.3); short protein forms I118F.
Identifiers: ClinVar variation 993986 (VCV000993986.20), dbSNP rs144456901, ClinGen allele CA5488123.
Genomic context (GRCh38, chr10:47,324,846, plus strand): 5'-GTGTCATGGAAACAGACCCTCCAGCAGATGCCCACCACGTGTGTTTGCATTTCAGATGCC[A>T]TCTCCATAACTGCCACAGAGGACTTCCCCTTCCAGAAGCACATCTTGCTCTTCAACATCT-3'
Protein context (NP_057288.1, residues 108-128): IVRSFSMEDA[Ile118Phe]SITATEDFPF

ClinVar aggregate classification (germline): Benign/Likely benign. Review status: criteria provided, multiple submitters, no conflicts (2 of 4 stars). 5 submissions from 5 submitters: Benign (3); Likely benign (1). 1 of the submissions does not count toward it. Last evaluated 2026-01-12.

Conditions:
GDF2-related disorder. Also called: GDF2-related condition.
Cardiovascular phenotype. Identifiers: MedGen CN230736.
Telangiectasia, hereditary hemorrhagic, type 5 (HHT5). Identifiers: Orphanet 774, MedGen C3809710, MONDO:0014217, OMIM 615506.

Allele frequency attached by ClinVar (database versions not stated): 1000 Genomes Project 0.00339; gnomAD exomes 0.00027 and 0.00113; TOPMed 0.00054; ExAC 0.00106; 1000 Genomes Project 30x 0.00281.

Submissions (5):

Labcorp Genetics (formerly Invitae), Labcorp
Classification: Benign for Telangiectasia, hereditary hemorrhagic, type 5. Last evaluated: 2026-01-12. Review status: criteria provided, single submitter. Criteria: Invitae Variant Classification Sherloc (09022015). Collection method: clinical testing. Allele origin: germline.

Mayo Clinic Laboratories, Mayo Clinic
Classification: Benign. Last evaluated: 2023-05-31. Review status: criteria provided, single submitter. Criteria: ACMG Guidelines, 2015. Collection method: clinical testing. Allele origin: germline. Observed: 2 variant alleles.
Comment: BS1, BS2, BP4

Ambry Genetics
Classification: Benign for Cardiovascular phenotype. Last evaluated: 2022-02-11. Review status: criteria provided, single submitter. Criteria: Ambry Variant Classification Scheme 2023. Collection method: clinical testing. Allele origin: germline.

ARUP Laboratories, Molecular Genetics and Genomics, ARUP Laboratories
Classification: Likely benign for Telangiectasia, hereditary hemorrhagic, type 5. Last evaluated: 2020-07-02. Review status: criteria provided, single submitter. Criteria: ARUP Molecular Germline Variant Investigation Process. Collection method: clinical testing. Allele origin: germline.

PreventionGenetics, part of Exact Sciences
Classification: Benign for GDF2-related condition. Last evaluated: 2019-06-26. Review status: no assertion criteria provided. Collection method: clinical testing. Allele origin: germline. Not counted in ClinVar's aggregate classification.
Comment: This variant is classified as benign based on ACMG/AMP sequence variant interpretation guidelines (Richards et al. 2015 PMID: 25741868, with internal and published modifications).

Literature cited by the submitters: PubMed 36891821 (cited by Mayo Clinic Laboratories, Mayo Clinic); PubMed 31661308 (cited by Ambry Genetics).